The following is an entry in ClinVar:

NM_022124.6(CDH23):c.9942G>A (p.Thr3314=)

Gene: CDH23 (cadherin related 23; plus strand). Cytogenetic location: 10q22.1.
Variant type: single nucleotide variant.
Coding change: c.9942G>A on transcript NM_022124.6 (MANE Select); coding-DNA position 9942, G replaced by A.
Protein change: p.Thr3314=; no amino-acid change (threonine 3314 retained).
Molecular consequence: synonymous variant.
Genome position (GRCh38, 1-based): chr10:71,815,155, G>A. VCF-style: chr10-71815155-G-A. GRCh37 (hg19) VCF-style: chr10-73574912-G-A.
Other names: c.3222G>A, p.Thr1074= (NM_001171933.1); c.3117G>A, p.Thr1039= (NM_001171934.1); c.633G>A, p.Thr211= (NM_001171935.1); c.528G>A, p.Thr176= (NM_001171936.1).
Identifiers: ClinVar variation 300478 (VCV000300478.47), dbSNP rs376804660, ClinGen allele CA5547223.

ClinVar aggregate classification (germline): Conflicting classifications of pathogenicity. Review status: criteria provided, conflicting classifications (1 of 4 stars). 8 submissions from 7 submitters: Uncertain significance (2); Likely benign (5). 1 of the submissions does not count toward it. Last evaluated 2026-01-22.

Conditions:
Usher syndrome type 1 (USH1). Also called: RETINITIS PIGMENTOSA AND CONGENITAL DEAFNESS. Identifiers: Orphanet 231169, Orphanet 886, MedGen C1568247, MONDO:0010168, OMIM 276900.
Autosomal recessive nonsyndromic hearing loss 12. Also called: DEAFNESS, AUTOSOMAL RECESSIVE 12. Identifiers: Orphanet 90636, MedGen C1832394, MONDO:0011067, OMIM 601386.
Usher syndrome type 1D (USH1D). Also called: USHER SYNDROME, TYPE ID. Identifiers: Orphanet 231169, Orphanet 886, MedGen C1832845, MONDO:0010984, OMIM 601067.

Allele frequency attached by ClinVar (database versions not stated): 1000 Genomes Project 30x 0.00016; 1000 Genomes Project 0.00020; gnomAD exomes 0.00029 and 0.00079; ExAC 0.00044; TOPMed 0.00048; gnomAD 0.00050 and 0.00053; ESP Exome Variant Server 0.00078.
gnomAD v4.1: 1,219 of 1,611,124 alleles (0.076%); highest among the groups gnomAD compares: Non-Finnish European, 0.094%; no homozygotes.

Submissions (8):

Labcorp Genetics (formerly Invitae), Labcorp
Classification: Likely benign. Last evaluated: 2026-01-22. Review status: criteria provided, single submitter. Criteria: Invitae Variant Classification Sherloc (09022015). Collection method: clinical testing. Allele origin: germline.

Blueprint Genetics
Classification: Likely benign. Last evaluated: 2024-10-30. Review status: criteria provided, single submitter. Criteria: ACMG Guidelines, 2015. Collection method: clinical testing. Allele origin: germline.

CeGaT Center for Human Genetics Tuebingen
Classification: Likely benign. Last evaluated: 2022-03-01. Review status: criteria provided, single submitter. Criteria: CeGaT Center For Human Genetics Tuebingen Variant Classification Criteria Version 2. Collection method: clinical testing. Allele origin: germline. Affected: yes. Observed: 1 variant allele.
Comment: CDH23: BP4, BP7

GeneDx
Classification: Likely benign. Last evaluated: 2020-05-08. Review status: criteria provided, single submitter. Criteria: GeneDx Variant Classification Process June 2021. Collection method: clinical testing. Allele origin: germline. Affected: yes.

Illumina Laboratory Services, Illumina
Classification: Uncertain significance for Usher syndrome type 1D. Last evaluated: 2018-01-13. Review status: criteria provided, single submitter. Criteria: ICSL Variant Classification Criteria 13 December 2019. Collection method: clinical testing. Allele origin: germline.

Illumina Laboratory Services, Illumina
Classification: Uncertain significance for Autosomal recessive nonsyndromic hearing loss 12. Last evaluated: 2018-01-13. Review status: criteria provided, single submitter. Criteria: ICSL Variant Classification Criteria 13 December 2019. Collection method: clinical testing. Allele origin: germline.

Laboratory for Molecular Medicine, Mass General Brigham Personalized Medicine
Classification: Likely benign. Last evaluated: 2012-04-30. Review status: criteria provided, single submitter. Criteria: LMM Criteria. Collection method: clinical testing. Allele origin: germline. Observed: 1 variant allele.
Comment: Thr3314Thr in Exon 70 of CDH23: This variant is not expected to have clinical si gnificance because it does not alter an amino acid residue, is not located withi n the splice consensus sequence, and has been identified in 0.1% (7/6934) of Eur opean American chromosomes from a broad population by the NHLBI Exome Sequencing Project.

Natera, Inc.
Classification: Likely benign for Usher syndrome type 1. Last evaluated: 2019-12-31. Review status: no assertion criteria provided. Collection method: clinical testing. Allele origin: germline. Not counted in ClinVar's aggregate classification.